The following is an entry in ClinVar:

ClinVar aggregate classification (germline): Uncertain significance. Review status: criteria provided, multiple submitters, no conflicts (2 of 4 stars). 4 submissions from 4 submitters: Uncertain significance (4). Last evaluated 2024-02-09.

Conditions:
Hennekam lymphangiectasia-lymphedema syndrome 2 (HKLLS2). Identifiers: Orphanet 2136, MedGen C4014939, MONDO:0014454, OMIM 616006.
Van Maldergem syndrome 2 (VMLDS2). Identifiers: Orphanet 314679, MedGen C3809875, MONDO:0014242, OMIM 615546.

Allele frequency attached by ClinVar (database versions not stated): gnomAD exomes 0.00003; ExAC 0.00004; gnomAD 0.00005 and 0.00006; TOPMed 0.00007.
gnomAD v4.1: 64 of 1,614,022 alleles (0.004%); highest among the groups gnomAD compares: Middle Eastern, 0.033%; no homozygotes.

Submissions (4):

Fulgent Genetics
Classification: Uncertain significance for Van Maldergem syndrome 2; Hennekam lymphangiectasia-lymphedema syndrome 2. Last evaluated: 2024-02-09. Review status: criteria provided, single submitter. Criteria: ACMG Guidelines, 2015. Collection method: clinical testing. Allele origin: germline.

Labcorp Genetics (formerly Invitae), Labcorp
Classification: Uncertain significance. Last evaluated: 2024-01-08. Review status: criteria provided, single submitter. Criteria: Invitae Variant Classification Sherloc (09022015). Collection method: clinical testing. Allele origin: germline.
Comment: This sequence change replaces valine, which is neutral and non-polar, with isoleucine, which is neutral and non-polar, at codon 4554 of the FAT4 protein (p.Val4554Ile). The frequency data for this variant in the population databases is considered unreliable, as metrics indicate poor data quality at this position in the gnomAD database. This variant has not been reported in the literature in individuals affected with FAT4-related conditions. ClinVar contains an entry for this variant (Variation ID: 1472506). Advanced modeling of protein sequence and biophysical properties (such as structural, functional, and spatial information, amino acid conservation, physicochemical variation, residue mobility, and thermodynamic stability) performed at Invitae indicates that this missense variant is not expected to disrupt FAT4 protein function with a negative predictive value of 80%. In summary, the available evidence is currently insufficient to determine the role of this variant in disease. Therefore, it has been classified as a Variant of Uncertain Significance.

GeneDx
Classification: Uncertain significance. Last evaluated: 2023-03-01. Review status: criteria provided, single submitter. Criteria: GeneDx Variant Classification Process June 2021. Collection method: clinical testing. Allele origin: germline. Affected: yes.
Comment: Not observed at significant frequency in large population cohorts (gnomAD); In silico analysis supports that this missense variant does not alter protein structure/function; Has not been previously published as pathogenic or benign to our knowledge

Department of Pathology and Laboratory Medicine, Sinai Health System
Classification: Uncertain significance for Van Maldergem syndrome 2; Hennekam lymphangiectasia-lymphedema syndrome 2. Last evaluated: 2022-11-12. Review status: criteria provided, single submitter. Criteria: ACMG Guidelines, 2015. Collection method: research. Allele origin: germline.

NM_001291303.3(FAT4):c.13666G>A (p.Val4556Ile)

Gene: FAT4 (FAT atypical cadherin 4; plus strand). Cytogenetic location: 4q28.1.
Variant type: single nucleotide variant.
Coding change: c.13666G>A on transcript NM_001291303.3 (MANE Select); coding-DNA position 13666, G replaced by A.
Protein change: p.Val4556Ile; replaces valine 4556 with isoleucine.
Molecular consequence: missense variant.
Genome position (GRCh38, 1-based): chr4:125,490,482, G>A. VCF-style: chr4-125490482-G-A. GRCh37 (hg19) VCF-style: chr4-126411637-G-A.
Other names: c.13663G>A, p.Val4555Ile (NM_001291285.3); c.13660G>A, p.Val4554Ile (NM_024582.6); c.13660G>A (NM_024582.4, NM_024582.5); short protein forms V4556I, V4554I, V4555I.
Identifiers: ClinVar variation 1472506 (VCV001472506.9), dbSNP rs755666152, ClinGen allele CA3074413.